The following is an entry in ClinVar:

NM_015272.5(RPGRIP1L):c.1772_1773dup (p.Asp592fs)

Gene: RPGRIP1L (RPGRIP1 like; minus strand). Cytogenetic location: 16q12.2.
Variant type: Duplication.
Coding change: c.1772_1773dup on transcript NM_015272.5 (MANE Select); coding-DNA positions 1772 to 1773, 2 bases duplicated (TT; older notation c.1772_1773dupTT).
Protein change: p.Asp592fs; shifts the reading frame from aspartic acid 592.
Molecular consequence: frameshift variant.
Genome position (GRCh38, 1-based): chr16:53,652,914-53,652,915, AA duplicated on the plus strand (TT on the coding strand, the reverse complement: RPGRIP1L is on the minus strand). VCF-style (leftmost placement, unchanged base first): chr16-53652913-C-CAA. GRCh37 (hg19) VCF-style: chr16-53686825-C-CAA.
Other names: c.1772_1773dup, p.Asp592fs (NM_001127897.4, NM_001308334.3, NM_001330538.2); short protein forms D592fs.
Identifiers: ClinVar variation 4815833 (VCV004815833.1).
Genomic context (GRCh38, chr16:53,652,913, plus strand): 5'-TGATATGGATTTCAAATAGATTTTCGCCTCGTTCTAAGTGGATGGTTTCATCAAATTCAT[C>CAA]AACAGAGTCATCTGGCATGATTTCTGGTTTAAATTTGTACTGCTTGGTGCCATAGGCAAT-3'

ClinVar aggregate classification (germline): Likely pathogenic (1 of 4 stars; one submission).

Conditions:
Joubert syndrome. Also called: Familial aplasia of the vermis; JOUBERT-BOLTSHAUSER SYNDROME; CEREBELLOPARENCHYMAL DISORDER IV. Identifiers: Orphanet 475, MedGen C5979921, MONDO:0018772.

Submission:

Natera, Inc.
Classification: Likely pathogenic for Joubert syndrome. Last evaluated: 2024-08-19. Review status: criteria provided, single submitter. Criteria: Natera Variant Classification Schema (03/2026). Collection method: clinical testing. Allele origin: germline.
Comment: The c.1772_1773dup variant in RPGRIP1L is a frameshift variant predicted to shift the reading frame beginning at codon 592 and leads to a stop codon 10 codons downstream. This variant is expected to result in nonsense mediated decay, truncation, or a dysfunctional protein product. This variant is rare in the general population with a frequency below the threshold expected for the associated phenotype(s). Given the available evidence, this variant is classified as Likely Pathogenic.